The following is an entry in ClinVar:

ClinVar aggregate classification (germline): Pathogenic/Likely pathogenic. Review status: criteria provided, multiple submitters, no conflicts (2 of 4 stars). 6 submissions from 6 submitters: Pathogenic (3); Likely pathogenic (1). 2 of the submissions do not count toward it. Last evaluated 2025-09-24.

Conditions:
KRT14-related disorder. Also called: KRT14-related condition.
Epidermolysis bullosa simplex 1C, localized. Also called: Epidermolysis Bullosa Simplex, Weber-Cockayne Type; EBS, ACRAL FORM; EPIDERMOLYSIS BULLOSA OF HANDS AND FEET; Weber-Cockayne Syndrome; Localized epidermolysis bullosa simplex. Identifiers: Orphanet 79400, MedGen C0080333, MONDO:0007551, OMIM 131800.

Allele frequency attached by ClinVar (database versions not stated): TOPMed below 0.00001; gnomAD 0.00001; gnomAD exomes 0.00001.

Submissions (6):

Labcorp Genetics (formerly Invitae), Labcorp
Classification: Pathogenic. Last evaluated: 2025-09-24. Review status: criteria provided, single submitter. Criteria: Invitae Variant Classification Sherloc (09022015). Collection method: clinical testing. Allele origin: germline.
Comment: This sequence change replaces isoleucine, which is neutral and non-polar, with threonine, which is neutral and polar, at codon 377 of the KRT14 protein (p.Ile377Thr). This variant is not present in population databases (gnomAD no frequency). This missense change has been observed in individuals with autosomal dominant and autosomal recessive epidermolysis bullosa simplex (PMID: 17039244, 27283507, 32884918, 32885477). It has also been observed to segregate with disease in related individuals. ClinVar contains an entry for this variant (Variation ID: 66303). Invitae Evidence Modeling of protein sequence and biophysical properties (such as structural, functional, and spatial information, amino acid conservation, physicochemical variation, residue mobility, and thermodynamic stability) indicates that this missense variant is expected to disrupt KRT14 protein function with a positive predictive value of 80%. This variant disrupts the p.Ile377 amino acid residue in KRT14. Other variant(s) that disrupt this residue have been determined to be pathogenic (internal data). This suggests that this residue is clinically significant, and that variants that disrupt this residue are likely to be disease-causing. For these reasons, this variant has been classified as Pathogenic.

PreventionGenetics, part of Exact Sciences
Classification: Pathogenic for KRT14-related condition. Last evaluated: 2024-12-12. Review status: criteria provided, single submitter. Criteria: ACMG Guidelines, 2015. Collection method: clinical testing. Allele origin: germline.
Comment: The KRT14 c.1130T>C variant is predicted to result in the amino acid substitution p.Ile377Thr. This variant has been previously reported in individuals with epidermolysis bullosa simplex (Rugg et al. 2007. PubMed ID: 17039244; Bolling et al. 2011. PubMed ID: 21375516; Banerjee et al. 2014. PubMed ID: 25017986; Vahidnezhad et al. 2016. PubMed ID: 27283507; Khani et al. 2020. PubMed ID: 32884918). Patients with only one change (heterozygous state) appear to have localized EBS with lesions observed in hands and feet (Rugg et al. 2007. PubMed ID: 17039244; Bolling et al. 2011. PubMed ID: 21375516). In the homozygous state the variant is associated with a more severe presentation (Khani et al. 2020. PubMed ID: 32884918). This variant has not been reported in a large population database (gnomAD), indicating this variant is rare. This variant is interpreted as pathogenic.

GeneDx
Classification: Pathogenic. Last evaluated: 2024-07-26. Review status: criteria provided, single submitter. Criteria: GeneDx Variant Classification Process June 2021. Collection method: clinical testing. Allele origin: germline. Affected: yes.
Comment: Not observed at significant frequency in large population cohorts (gnomAD); In silico analysis supports that this missense variant has a deleterious effect on protein structure/function; This variant is associated with the following publications: (PMID: 30143075, 25017986, 35334406, 27283507, 32884918, 21375516, 17039244, 21877134, 32885477)

Blueprint Genetics
Classification: Likely pathogenic for KRT14-related disorders. Last evaluated: 2022-08-25. Review status: criteria provided, single submitter. Criteria: ACMG Guidelines, 2015. Collection method: clinical testing. Allele origin: germline. Affected: yes. Observed: 2 variant alleles.

OMIM
Classification: Pathogenic for EPIDERMOLYSIS BULLOSA SIMPLEX 1C, LOCALIZED. Last evaluated: 2022-04-28. Review status: no assertion criteria provided. Collection method: literature only. Allele origin: germline. Not counted in ClinVar's aggregate classification.

Epithelial Biology;  Institute of Medical Biology, Singapore
No classification provided. Review status: no classification provided. Collection method: not provided. Allele origin: not provided. Not counted in ClinVar's aggregate classification.

Literature cited by the submitters: PubMed 17039244 (cited by Labcorp Genetics (formerly Invitae), Labcorp and OMIM); PubMed 27283507 (cited by Labcorp Genetics (formerly Invitae), Labcorp and OMIM); PubMed 32884918 (cited by Labcorp Genetics (formerly Invitae), Labcorp); PubMed 32885477 (cited by Labcorp Genetics (formerly Invitae), Labcorp).

NM_000526.5(KRT14):c.1130T>C (p.Ile377Thr)

Gene: KRT14 (keratin 14; minus strand). Cytogenetic location: 17q21.2.
Variant type: single nucleotide variant.
Coding change: c.1130T>C on transcript NM_000526.5 (MANE Select); coding-DNA position 1130, T replaced by C.
Protein change: p.Ile377Thr; replaces isoleucine 377 with threonine.
Molecular consequence: missense variant.
Genome position (GRCh38, 1-based): chr17:41,583,379, A>G on the plus strand (T>C on the coding strand, the complement: KRT14 is on the minus strand). VCF-style: chr17-41583379-A-G. GRCh37 (hg19) VCF-style: chr17-39739631-A-G.
Other names: short protein forms I377T.
Identifiers: ClinVar variation 66303 (VCV000066303.12), dbSNP rs61536893, ClinGen allele CA216823.